The following is an entry in ClinVar:

ClinVar aggregate classification (germline): Uncertain significance. Review status: criteria provided, multiple submitters, no conflicts (2 of 4 stars). 2 submissions from 2 submitters: Uncertain significance (2). Last evaluated 2025-02-14.

Conditions:
Bloom syndrome (BLM). Also called: Bloom-Torre-Machacek syndrome. Identifiers: Orphanet 125, MedGen C0005859, MONDO:0008876, OMIM 210900.
Hereditary cancer-predisposing syndrome. Also called: Neoplastic Syndromes, Hereditary; Tumor predisposition; Hereditary neoplastic syndrome; Hereditary Cancer Syndrome. Identifiers: Orphanet 140162, MedGen C0027672, MeSH D009386, MONDO:0015356.

Allele frequency attached by ClinVar (database versions not stated): gnomAD exomes below 0.00001.
gnomAD v4.1: 3 of 1,613,982 alleles (0.00019%); highest among the groups gnomAD compares: Non-Finnish European, 0.000085%; no homozygotes.

Submissions (2):

Ambry Genetics
Classification: Uncertain significance for Hereditary cancer-predisposing syndrome. Last evaluated: 2025-02-14. Review status: criteria provided, single submitter. Criteria: Ambry Variant Classification Scheme 2023. Collection method: clinical testing. Allele origin: germline.
Comment: The p.R429S variant (also known as c.1287A>C), located in coding exon 6 of the BLM gene, results from an A to C substitution at nucleotide position 1287. The arginine at codon 429 is replaced by serine, an amino acid with dissimilar properties. This amino acid position is conserved. In addition, this alteration is predicted to be tolerated by in silico analysis. Based on the available evidence, the clinical significance of this variant remains unclear.

Labcorp Genetics (formerly Invitae), Labcorp
Classification: Uncertain significance for Bloom syndrome. Last evaluated: 2023-06-24. Review status: criteria provided, single submitter. Criteria: Invitae Variant Classification Sherloc (09022015). Collection method: clinical testing. Allele origin: germline.
Comment: This variant is not present in population databases (gnomAD no frequency). In summary, the available evidence is currently insufficient to determine the role of this variant in disease. Therefore, it has been classified as a Variant of Uncertain Significance. Advanced modeling of protein sequence and biophysical properties (such as structural, functional, and spatial information, amino acid conservation, physicochemical variation, residue mobility, and thermodynamic stability) performed at Invitae indicates that this missense variant is not expected to disrupt BLM protein function. This variant has not been reported in the literature in individuals affected with BLM-related conditions. This sequence change replaces arginine, which is basic and polar, with serine, which is neutral and polar, at codon 429 of the BLM protein (p.Arg429Ser).

NM_000057.4(BLM):c.1287A>C (p.Arg429Ser)

Gene: BLM (BLM RecQ like helicase; plus strand). Cytogenetic location: 15q26.1.
Variant type: single nucleotide variant.
Coding change: c.1287A>C on transcript NM_000057.4 (MANE Select); coding-DNA position 1287, A replaced by C.
Protein change: p.Arg429Ser; replaces arginine 429 with serine.
Molecular consequence: missense variant.
Genome position (GRCh38, 1-based): chr15:90,760,660, A>C. VCF-style: chr15-90760660-A-C. GRCh37 (hg19) VCF-style: chr15-91303890-A-C.
Other names: c.1287A>C, p.Arg429Ser (NM_001287246.2, NM_001287247.2); c.162A>C, p.Arg54Ser (NM_001287248.2); short protein forms R429S, R54S.
Identifiers: ClinVar variation 2725841 (VCV002725841.4), dbSNP rs1895949043, ClinGen allele CA393842732.